The following is an entry in ClinVar:

ClinVar aggregate classification (germline): Pathogenic. Review status: criteria provided, multiple submitters, no conflicts (2 of 4 stars). 2 submissions from 2 submitters: Pathogenic (2). Last evaluated 2026-05-05.

Conditions:
Hereditary cancer-predisposing syndrome. Also called: Hereditary neoplastic syndrome; Neoplastic Syndromes, Hereditary; Tumor predisposition; Hereditary Cancer Syndrome. Identifiers: Orphanet 140162, MedGen C0027672, MeSH D009386, MONDO:0015356.
Tumor predisposition syndrome 3 (TPDS3). Also called: Glioma susceptibility 9; LONG TELOMERE SYNDROME, POT1-RELATED; POT1 Tumor Predisposition; Melanoma, cutaneous malignant, susceptibility to, 10. Identifiers: Orphanet 618, MedGen C4014476, MONDO:0014368, OMIM 615848.

Submissions (2):

Ambry Genetics
Classification: Pathogenic for Hereditary cancer-predisposing syndrome. Last evaluated: 2026-05-05. Review status: criteria provided, single submitter. Criteria: Ambry Variant Classification Scheme 2023. Collection method: clinical testing. Allele origin: germline.
Comment: The p.Y342* pathogenic mutation (also known as c.1026T>G), located in coding exon 9 of the POT1 gene, results from a T to G substitution at nucleotide position 1026. This changes the amino acid from a tyrosine to a stop codon within coding exon 9. This variant is considered to be rare based on population cohorts in the Genome Aggregation Database (gnomAD). This alteration is expected to result in loss of function by premature protein truncation or nonsense-mediated mRNA decay. As such, this alteration is interpreted as a disease-causing mutation.

Labcorp Genetics (formerly Invitae), Labcorp
Classification: Pathogenic for Tumor predisposition syndrome 3. Last evaluated: 2024-09-15. Review status: criteria provided, single submitter. Criteria: Invitae Variant Classification Sherloc (09022015). Collection method: clinical testing. Allele origin: germline.
Comment: This sequence change creates a premature translational stop signal (p.Tyr342*) in the POT1 gene. It is expected to result in an absent or disrupted protein product. Loss-of-function variants in POT1 are known to be pathogenic (PMID: 32155570). This variant is not present in population databases (gnomAD no frequency). This variant has not been reported in the literature in individuals affected with POT1-related conditions. For these reasons, this variant has been classified as Pathogenic.

Literature cited by the submitters: PubMed 32155570 (cited by Labcorp Genetics (formerly Invitae), Labcorp).

NM_015450.3(POT1):c.1026T>G (p.Tyr342Ter)

Gene: POT1 (protection of telomeres 1; minus strand). Cytogenetic location: 7q31.33.
Variant type: single nucleotide variant.
Coding change: c.1026T>G on transcript NM_015450.3 (MANE Select); coding-DNA position 1026, T replaced by G.
Protein change: p.Tyr342Ter; replaces tyrosine 342 with a stop codon.
Molecular consequence: nonsense. On other transcripts: non-coding transcript variant (3).
Genome position (GRCh38, 1-based): chr7:124,842,944, A>C on the plus strand (T>G on the coding strand, the complement: POT1 is on the minus strand). VCF-style: chr7-124842944-A-C. GRCh37 (hg19) VCF-style: chr7-124482998-A-C.
Other names: c.633T>G, p.Tyr211Ter (NM_001042594.2); c.1026T>G (NM_015450.2); short protein forms Y342*, Y211*.
Identifiers: ClinVar variation 2832212 (VCV002832212.4), dbSNP rs2485402669, ClinGen allele CA369068596.